The following is an entry in ClinVar:

ClinVar aggregate classification (germline): Uncertain significance (1 of 4 stars; one submission).

Conditions:
Hereditary cancer-predisposing syndrome. Also called: Hereditary Cancer Syndrome; Hereditary neoplastic syndrome; Neoplastic Syndromes, Hereditary; Tumor predisposition. Identifiers: Orphanet 140162, MedGen C0027672, MeSH D009386, MONDO:0015356.

Submission:

Ambry Genetics
Classification: Uncertain significance for Hereditary cancer-predisposing syndrome. Last evaluated: 2026-08-18. Review status: criteria provided, single submitter. Criteria: Ambry Variant Classification Scheme 2023. Collection method: clinical testing. Allele origin: germline.
Comment: The p.P771A variant (also known as c.2311C>G), located in coding exon 14 of the PMS2 gene, results from a C to G substitution at nucleotide position 2311. The proline at codon 771 is replaced by alanine, an amino acid with highly similar properties. This amino acid position is highly conserved in available vertebrate species. In addition, this alteration is predicted to be deleterious by in silico analysis. Based on the available evidence, the clinical significance of this variant remains unclear.

NM_000535.7(PMS2):c.2311C>G (p.Pro771Ala)

Gene: PMS2 (PMS1 homolog 2, mismatch repair system component; minus strand). Cytogenetic location: 7p22.1.
Variant type: single nucleotide variant.
Coding change: c.2311C>G on transcript NM_000535.7 (MANE Select); coding-DNA position 2311, C replaced by G.
Protein change: p.Pro771Ala; replaces proline 771 with alanine.
Molecular consequence: missense variant. On other transcripts: intron variant (2).
Genome position (GRCh38, 1-based): chr7:5,977,722, G>C on the plus strand (C>G on the coding strand, the complement: PMS2 is on the minus strand). VCF-style: chr7-5977722-G-C. GRCh37 (hg19) VCF-style: chr7-6017353-G-C.
Other names: c.1750C>G, p.Pro584Ala (NM_001322010.2, NM_001406906.1, NM_001406907.1); c.1378C>G, p.Pro460Ala (NM_001322011.2, NM_001322012.2); c.1738C>G, p.Pro580Ala (NM_001322013.2, NM_001406908.1, NM_001406909.1); c.2344C>G, p.Pro782Ala (NM_001322014.2); c.2002C>G, p.Pro668Ala (NM_001322015.2, NM_001406881.1, NM_001406882.1 and 4 more transcripts); c.2497C>G, p.Pro833Ala (NM_001406866.1); c.2335C>G, p.Pro779Ala (NM_001406868.1); c.2203C>G, p.Pro735Ala (NM_001406869.1); and 20 more; short protein forms P460A, P609A, P616A, P647A, P649A, P665A, P679A, P705A.
Identifiers: ClinVar variation 2566071 (VCV002566071.3), dbSNP rs2128675272, ClinGen allele CA366736045.